The following is an entry in ClinVar:

NM_032578.4(MYPN):c.3634A>G (p.Ile1212Val)

Gene: MYPN (myopalladin; plus strand). Cytogenetic location: 10q21.3.
Variant type: single nucleotide variant.
Coding change: c.3634A>G on transcript NM_032578.4 (MANE Select); coding-DNA position 3634, A replaced by G.
Protein change: p.Ile1212Val; replaces isoleucine 1212 with valine.
Molecular consequence: missense variant. On other transcripts: non-coding transcript variant (2).
Genome position (GRCh38, 1-based): chr10:68,201,969, A>G. VCF-style: chr10-68201969-A-G. GRCh37 (hg19) VCF-style: chr10-69961726-A-G.
Other names: c.3634A>G, p.Ile1212Val (NM_001256267.2); c.2752A>G, p.Ile918Val (NM_001256268.2); short protein forms I1212V, I918V.
Identifiers: ClinVar variation 1733434 (VCV001733434.2), dbSNP rs2495986898, ClinGen allele CA376860317.

ClinVar aggregate classification (germline): Uncertain significance (1 of 4 stars; one submission).

Conditions:
Cardiovascular phenotype. Identifiers: MedGen CN230736.

Allele frequency attached by ClinVar (database versions not stated): gnomAD exomes below 0.00001.
gnomAD v4.1: 2 of 1,614,046 alleles (0.00012%); highest among the groups gnomAD compares: South Asian, 0.0011%; no homozygotes.

Submission:

Ambry Genetics
Classification: Uncertain significance for Cardiovascular phenotype. Last evaluated: 2023-10-12. Review status: criteria provided, single submitter. Criteria: Ambry Variant Classification Scheme 2023. Collection method: clinical testing. Allele origin: germline.
Comment: The p.I1212V variant (also known as c.3634A>G), located in coding exon 17 of the MYPN gene, results from an A to G substitution at nucleotide position 3634. The isoleucine at codon 1212 is replaced by valine, an amino acid with highly similar properties. This amino acid position is well conserved in available vertebrate species. In addition, this alteration is predicted to be tolerated by in silico analysis. Since supporting evidence is limited at this time, the clinical significance of this alteration remains unclear.